The following is an entry in ClinVar:

NM_001844.5(COL2A1):c.3704C>T (p.Pro1235Leu)

Gene: COL2A1 (collagen type II alpha 1 chain; minus strand). Cytogenetic location: 12q13.11.
Variant type: single nucleotide variant.
Coding change: c.3704C>T on transcript NM_001844.5 (MANE Select); coding-DNA position 3704, C replaced by T.
Protein change: p.Pro1235Leu; replaces proline 1235 with leucine.
Molecular consequence: missense variant.
Genome position (GRCh38, 1-based): chr12:47,975,499, G>A on the plus strand (C>T on the coding strand, the complement: COL2A1 is on the minus strand). VCF-style: chr12-47975499-G-A. GRCh37 (hg19) VCF-style: chr12-48369282-G-A.
Other names: c.3497C>T, p.Pro1166Leu (NM_033150.3); short protein forms P1166L, P1235L.
Identifiers: ClinVar variation 2708038 (VCV002708038.3), dbSNP rs2540100485, ClinGen allele CA384536867.

ClinVar aggregate classification (germline): Uncertain significance (1 of 4 stars; one submission).

Submission:

Labcorp Genetics (formerly Invitae), Labcorp
Classification: Uncertain significance. Last evaluated: 2024-06-02. Review status: criteria provided, single submitter. Criteria: Invitae Variant Classification Sherloc (09022015). Collection method: clinical testing. Allele origin: germline.
Comment: This sequence change replaces proline, which is neutral and non-polar, with leucine, which is neutral and non-polar, at codon 1235 of the COL2A1 protein (p.Pro1235Leu). This variant is not present in population databases (gnomAD no frequency). This variant has not been reported in the literature in individuals affected with COL2A1-related conditions. Advanced modeling of protein sequence and biophysical properties (such as structural, functional, and spatial information, amino acid conservation, physicochemical variation, residue mobility, and thermodynamic stability) has been performed at Invitae for this missense variant, however the output from this modeling did not meet the statistical confidence thresholds required to predict the impact of this variant on COL2A1 protein function. In summary, the available evidence is currently insufficient to determine the role of this variant in disease. Therefore, it has been classified as a Variant of Uncertain Significance.